The following is an entry in ClinVar:

NM_004100.5(EYA4):c.1720_1722delinsAAA (p.Tyr574Lys)

Genes: EYA4 (EYA transcriptional coactivator and phosphatase 4; plus strand), TARID (TCF21 antisense RNA inducing promoter demethylation; minus strand). Cytogenetic location: 6q23.2.
Variant type: Indel.
Coding change: c.1720_1722delinsAAA on transcript NM_004100.5 (MANE Select); coding-DNA positions 1720 to 1722, TAC replaced by AAA.
Protein change: p.Tyr574Lys; replaces tyrosine 574 with lysine.
Molecular consequence: missense variant.
Genome position (GRCh38, 1-based): chr6:133,523,159-133,523,161, TAC replaced by AAA. VCF-style: chr6-133523159-TAC-AAA. GRCh37 (hg19) VCF-style: chr6-133844297-TAC-AAA.
Other names: c.1558_1560delinsAAA, p.Tyr520Lys (NM_001301012.2); c.1738_1740delinsAAA, p.Tyr580Lys (NM_001301013.2); c.1651_1653delinsAAA, p.Tyr551Lys (NM_001370458.1, NM_172103.4); c.1576_1578delinsAAA, p.Tyr526Lys (NM_001370459.1); c.1720_1722delinsAAA, p.Tyr574Lys (NM_172105.4); c.1720_1722delTACinsAAA (NM_004100.5); short protein forms Y574K, Y526K, Y551K, Y580K, Y520K.
Identifiers: ClinVar variation 813822 (VCV000813822.2), dbSNP rs1800334076, ClinGen allele CA1139659813.
Genomic context (GRCh38, chr6:133,523,159, plus strand): 5'-CCAGCACTTGCGAAGGTTCTACTCTATAGTTTAGGAGGTGCTTTCCCCATTGAGAATATT[TAC>AAA]AGTGCAACTAAAATAGGTAAGGAAATTATTTTAAACTCTGTATGGAATGTGTCCACATCT-3'
Protein context (NP_004091.3, residues 564-584): LGGAFPIENI[Tyr574Lys]SATKIGKESC

ClinVar aggregate classification (germline): Pathogenic (1 of 4 stars; one submission).

Conditions:
Autosomal dominant nonsyndromic hearing loss 10. Identifiers: Orphanet 90635, MedGen C1832476, MONDO:0011031, OMIM 601316.

Submission:

Laboratory of Prof. Karen Avraham, Tel Aviv University
Classification: Pathogenic for Autosomal dominant nonsyndromic hearing loss 10. Last evaluated: 2018-05-07. Review status: criteria provided, single submitter. Criteria: ACMG Guidelines, 2015. Collection method: research. Allele origin: germline. Affected: yes.
Comment: Dominant, postlingual, moderate-severe NSHL

Literature cited by the submitters: DOI 10.1111/cge.13817.